The following is an entry in ClinVar:

ClinVar aggregate classification (germline): Uncertain significance. Review status: criteria provided, multiple submitters, no conflicts (2 of 4 stars). 2 submissions from 2 submitters: Uncertain significance (2). Last evaluated 2025-11-03.

Conditions:
Inborn genetic diseases. Identifiers: MedGen C0950123, MeSH D030342.

gnomAD v4.1: 63 of 1,597,842 alleles (0.0039%); highest among the groups gnomAD compares: Middle Eastern, 0.033%; no homozygotes.

Submissions (2):

Ambry Genetics
Classification: Uncertain significance for Inborn genetic diseases. Last evaluated: 2025-11-03. Review status: criteria provided, single submitter. Criteria: Ambry Variant Classification Scheme 2023. Collection method: clinical testing. Allele origin: germline.

Labcorp Genetics (formerly Invitae), Labcorp
Classification: Uncertain significance. Last evaluated: 2022-08-15. Review status: criteria provided, single submitter. Criteria: Invitae Variant Classification Sherloc (09022015). Collection method: clinical testing. Allele origin: germline.
Comment: This sequence change replaces valine, which is neutral and non-polar, with alanine, which is neutral and non-polar, at codon 227 of the SLC18A3 protein (p.Val227Ala). This variant is present in population databases (rs758934192, gnomAD 0.05%). This variant has not been reported in the literature in individuals affected with SLC18A3-related conditions. ClinVar contains an entry for this variant (Variation ID: 1395685). Algorithms developed to predict the effect of missense changes on protein structure and function are either unavailable or do not agree on the potential impact of this missense change (SIFT: "Tolerated"; PolyPhen-2: "Possibly Damaging"; Align-GVGD: "Class C0"). In summary, the available evidence is currently insufficient to determine the role of this variant in disease. Therefore, it has been classified as a Variant of Uncertain Significance.

NM_003055.3(SLC18A3):c.680T>C (p.Val227Ala)

Genes: CHAT (choline O-acetyltransferase; plus strand), SLC18A3 (solute carrier family 18 member A3; plus strand). Cytogenetic location: 10q11.23.
Variant type: single nucleotide variant.
Coding change: c.680T>C on transcript NM_003055.3 (MANE Select); coding-DNA position 680, T replaced by C.
Protein change: p.Val227Ala; replaces valine 227 with alanine.
Molecular consequence: missense variant. On other transcripts: intron variant (1).
Genome position (GRCh38, 1-based): chr10:49,611,420, T>C. VCF-style: chr10-49611420-T-C. GRCh37 (hg19) VCF-style: chr10-50819466-T-C.
Other names: c.-69+2221T>C (NM_020984.4); short protein forms V227A.
Identifiers: ClinVar variation 1395685 (VCV001395685.5), dbSNP rs758934192, ClinGen allele CA5496822.